The following is an entry in ClinVar:

ClinVar aggregate classification (germline): Pathogenic/Likely pathogenic. Review status: criteria provided, multiple submitters, no conflicts (2 of 4 stars). 2 submissions from 2 submitters: Pathogenic (1); Likely pathogenic (1). Last evaluated 2022-02-19.

Conditions:
Familial adenomatous polyposis 1 (FAP1). Also called: POLYPOSIS, ADENOMATOUS INTESTINAL; FAMILIAL ADENOMATOUS POLYPOSIS 1, ATTENUATED. Identifiers: MedGen C2713442, MONDO:0021056, OMIM 175100. Disease mechanism: loss of function.

Submissions (2):

Labcorp Genetics (formerly Invitae), Labcorp
Classification: Pathogenic for Familial adenomatous polyposis 1. Last evaluated: 2022-02-19. Review status: criteria provided, single submitter. Criteria: Invitae Variant Classification Sherloc (09022015). Collection method: clinical testing. Allele origin: germline.
Comment: This sequence change affects an acceptor splice site in intron 14 of the APC gene. RNA analysis indicates that disruption of this splice site induces altered splicing and likely disrupts the C-terminus of the protein. For these reasons, this variant has been classified as Pathogenic. Studies have shown that disruption of this splice site results in skipping of exon 14 and introduces a new termination codon (PMID: 15459959). However the mRNA is not expected to undergo nonsense-mediated decay. ClinVar contains an entry for this variant (Variation ID: 438868). Disruption of this splice site has been observed in individuals with familial adenomatous polyposis (FAP) (PMID: 8990002, 9298819, 11247896, 15459959, 21315632). It has also been observed to segregate with disease in related individuals. This variant is not present in population databases (gnomAD no frequency).

Quest Diagnostics Nichols Institute San Juan Capistrano
Classification: Likely pathogenic. Last evaluated: 2016-11-30. Review status: criteria provided, single submitter. Criteria: Quest Diagnostics criteria. Collection method: clinical testing. Allele origin: germline.

Literature cited by the submitters: PubMed 15459959 (cited by Labcorp Genetics (formerly Invitae), Labcorp and Quest Diagnostics Nichols Institute San Juan Capistrano); PubMed 8990002 (cited by Labcorp Genetics (formerly Invitae), Labcorp and Quest Diagnostics Nichols Institute San Juan Capistrano); PubMed 9298819 (cited by Labcorp Genetics (formerly Invitae), Labcorp); PubMed 11247896 (cited by Labcorp Genetics (formerly Invitae), Labcorp and Quest Diagnostics Nichols Institute San Juan Capistrano); PubMed 21315632 (cited by Labcorp Genetics (formerly Invitae), Labcorp and Quest Diagnostics Nichols Institute San Juan Capistrano).

NM_000038.6(APC):c.1744-2A>T

Gene: APC (APC regulator of Wnt signaling pathway; plus strand). Cytogenetic location: 5q22.2.
Variant type: single nucleotide variant.
Coding change: c.1744-2A>T on transcript NM_000038.6 (MANE Select); the canonical splice acceptor site of the intron before coding-DNA position 1744, A replaced by T.
Molecular consequence: splice acceptor variant.
Genome position (GRCh38, 1-based): chr5:112,834,949, A>T. VCF-style: chr5-112834949-A-T. GRCh37 (hg19) VCF-style: chr5-112170646-A-T.
Other names: c.895-2A>T (NM_001407470.1, NM_001354906.2); c.592-2A>T (NM_001407472.1, NM_001407471.1); c.1798-2A>T (NM_001407447.1, NM_001407448.1, NM_001407449.1 and 1 more transcripts); c.1744-2A>T (NM_001354895.2, NM_001407450.1, NM_001127510.3); c.1495-2A>T (NM_001407456.1, NM_001407457.1, NM_001407455.1 and 1 more transcripts); c.1441-2A>T (NM_001407460.1, NM_001407458.1, NM_001407459.1 and 1 more transcripts); c.1714-2A>T (NM_001407452.1); c.1357-2A>T (NM_001407469.1, NM_001407467.1); and 11 more.
Identifiers: ClinVar variation 438868 (VCV000438868.10), dbSNP rs587783035, ClinGen allele CA360622290.